The following is an entry in ClinVar:

NC_000006.11:g.(?_66044853)_(66115280_?)del

Gene: EYS (eyes shut homolog; minus strand). Cytogenetic location: 6q12.
Variant type: Deletion.
Identifiers: ClinVar variation 1452832 (VCV001452832.7).

ClinVar aggregate classification (germline): Pathogenic (1 of 4 stars; one submission).

Submission:

Labcorp Genetics (formerly Invitae), Labcorp
Classification: Pathogenic. Last evaluated: 2023-03-20. Review status: criteria provided, single submitter. Criteria: Invitae Variant Classification Sherloc (09022015). Collection method: clinical testing. Allele origin: germline.
Comment: For these reasons, this variant has been classified as Pathogenic. A similar copy number variant has been observed in individual(s) with retinitis pigmentosa (PMID: 21069908). This variant is a gross deletion of the genomic region encompassing exon(s) 6-11 of the EYS gene. This deletion is out-of-frame, and is expected to create a premature termination codon and result in an absent or disrupted protein product. Loss-of-function variants in EYS are known to be pathogenic (PMID: 18836446, 20333770).

Literature cited by the submitters: PubMed 21069908; PubMed 18836446; PubMed 20333770.